The following is an entry in ClinVar:

ClinVar aggregate classification (germline): Likely benign. Review status: criteria provided, multiple submitters, no conflicts (2 of 4 stars). 2 submissions from 2 submitters: Likely benign (2). Last evaluated 2023-08-28.

Conditions:
Malignant hyperthermia, susceptibility to, 5 (MHS5). Also called: CACNA1S-Related Malignant Hyperthermia Susceptibility. Identifiers: Orphanet 423, MedGen C1866077, MONDO:0011163, OMIM 601887.

Submissions (2):

All of Us Research Program, National Institutes of Health
Classification: Likely benign for Malignant hyperthermia, susceptibility to, 5. Last evaluated: 2023-08-28. Review status: criteria provided, single submitter. Criteria: ACMG Guidelines, 2015. Collection method: clinical testing. Allele origin: germline. Inheritance: Autosomal dominant inheritance. Observed: 1 variant allele, 1 heterozygote.
Comment: This study involves interpretation of variants in research participants for the purpose of population health screening. Participant phenotype was not available at the time of variant classification. Additional details can be found in publication PMID: 35346344, PMCID: PMC8962531

Color Diagnostics, LLC DBA Color Health
Classification: Likely benign for Malignant hyperthermia, susceptibility to, 5. Last evaluated: 2023-08-17. Review status: criteria provided, single submitter. Criteria: ACMG Guidelines, 2015. Collection method: clinical testing. Allele origin: germline.

NM_000069.3(CACNA1S):c.1394-12C>T

Gene: CACNA1S (calcium voltage-gated channel subunit alpha1 S; minus strand). Cytogenetic location: 1q32.1.
Variant type: single nucleotide variant.
Coding change: c.1394-12C>T on transcript NM_000069.3 (MANE Select); 12 bases into the intron before coding-DNA position 1394, C replaced by T.
Molecular consequence: intron variant.
Genome position (GRCh38, 1-based): chr1:201,078,116, G>A on the plus strand (C>T on the coding strand, the complement: CACNA1S is on the minus strand). VCF-style: chr1-201078116-G-A. GRCh37 (hg19) VCF-style: chr1-201047244-G-A.
Identifiers: ClinVar variation 3073169 (VCV003073169.2), dbSNP rs1242772265, ClinGen allele CA730075663.
Genomic context (GRCh38, chr1:201,078,116, plus strand): 5'-ATCAGCATCTCAGTGGTGAAGAGGGACAGCAGCACCCGGTTGGCAATGTCTGTAGGGTTG[G>A]TGGCACAGCCCCGGCATCACTCTCCTTCCCTTCTCCTGACTCCCAGCCTTGGCTGTGGCT-3'